The following is an entry in ClinVar:

NM_005548.3(KARS1):c.1184A>G (p.Asn395Ser)

Gene: KARS1 (lysyl-tRNA synthetase 1; minus strand). Cytogenetic location: 16q23.1.
Variant type: single nucleotide variant.
Coding change: c.1184A>G on transcript NM_005548.3 (MANE Select); coding-DNA position 1184, A replaced by G.
Protein change: p.Asn395Ser; replaces asparagine 395 with serine.
Molecular consequence: missense variant.
Genome position (GRCh38, 1-based): chr16:75,631,484, T>C on the plus strand (A>G on the coding strand, the complement: KARS1 is on the minus strand). VCF-style: chr16-75631484-T-C. GRCh37 (hg19) VCF-style: chr16-75665382-T-C.
Other names: c.1268A>G, p.Asn423Ser (NM_001130089.2); c.716A>G, p.Asn239Ser (NM_001378148.1); short protein forms N423S, N395S, N239S.
Identifiers: ClinVar variation 505361 (VCV000505361.10), dbSNP rs780462719, ClinGen allele CA8177361.
Genomic context (GRCh38, chr16:75,631,484, plus strand): 5'-TCAAAGAGGTTCGTTTCTGGCAGCTTCATCCCCAGGGCTTTCTCAAGCTCTTCTACCATG[T>C]TGATTCGCCGGAAGGGTGGGGTGAAGTCAACATCGTAGGCTTGGCCCTCTGGGCCATCTG-3'
Protein context (NP_005539.1, residues 385-405): VDFTPPFRRI[Asn395Ser]MVEELEKALG

ClinVar aggregate classification (germline): Conflicting classifications of pathogenicity. Review status: criteria provided, conflicting classifications (1 of 4 stars). 3 submissions from 3 submitters: Uncertain significance (1); Likely benign (2). Last evaluated 2025-01-24.

Allele frequency attached by ClinVar (database versions not stated): ExAC 0.00001; gnomAD 0.00001; gnomAD exomes 0.00001 and 0.00004; TOPMed 0.00002.
gnomAD v4.1: 61 of 1,614,122 alleles (0.0038%); highest among the groups gnomAD compares: Non-Finnish European, 0.0047%; no homozygotes.

Submissions (3):

Ambry Genetics
Classification: Likely benign. Last evaluated: 2025-01-24. Review status: criteria provided, single submitter. Criteria: Ambry Variant Classification Scheme 2023. Collection method: clinical testing. Allele origin: germline.

Labcorp Genetics (formerly Invitae), Labcorp
Classification: Uncertain significance. Last evaluated: 2023-05-15. Review status: criteria provided, single submitter. Criteria: Invitae Variant Classification Sherloc (09022015). Collection method: clinical testing. Allele origin: germline.
Comment: Advanced modeling of protein sequence and biophysical properties (such as structural, functional, and spatial information, amino acid conservation, physicochemical variation, residue mobility, and thermodynamic stability) performed at Invitae indicates that this missense variant is not expected to disrupt KARS protein function. In summary, the available evidence is currently insufficient to determine the role of this variant in disease. Therefore, it has been classified as a Variant of Uncertain Significance. This variant has not been reported in the literature in individuals affected with KARS-related conditions. ClinVar contains an entry for this variant (Variation ID: 505361). This sequence change replaces asparagine, which is neutral and polar, with serine, which is neutral and polar, at codon 423 of the KARS protein (p.Asn423Ser). This variant is present in population databases (rs780462719, gnomAD 0.004%).

Laboratory for Molecular Medicine, Mass General Brigham Personalized Medicine
Classification: Likely benign. Last evaluated: 2016-10-13. Review status: criteria provided, single submitter. Criteria: LMM Criteria. Collection method: clinical testing. Allele origin: germline. Observed: 1 variant allele.
Comment: p.Asn423Ser in exon 10 of KARS: This variant is not expected to have clinical si gnificance due to a lack of conservation across species, including mammals. Of n ote, over 50 species have a serine (Ser) at this position despite high nearby am ino acid conservation. In addition, computational prediction tools do not sugges t a high likelihood of impact to the protein. It has also been identified in 1/6 6698 European chromosomes by the Exome Aggregation Consortium (ExAC .; dbSNP rs780462719).